The following is an entry in ClinVar:

NM_020937.4(FANCM):c.2034G>T (p.Trp678Cys)

Gene: FANCM (FA complementation group M; plus strand). Cytogenetic location: 14q21.2.
Variant type: single nucleotide variant.
Coding change: c.2034G>T on transcript NM_020937.4 (MANE Select); coding-DNA position 2034, G replaced by T.
Protein change: p.Trp678Cys; replaces tryptophan 678 with cysteine.
Molecular consequence: missense variant.
Genome position (GRCh38, 1-based): chr14:45,170,620, G>T. VCF-style: chr14-45170620-G-T. GRCh37 (hg19) VCF-style: chr14-45639823-G-T.
Other names: c.1956G>T, p.Trp652Cys (NM_001308133.2); short protein forms W652C, W678C.
Identifiers: ClinVar variation 5036636 (VCV005036636.1).

ClinVar aggregate classification (germline): Uncertain significance (1 of 4 stars; one submission).

Conditions:
Inborn genetic diseases. Identifiers: MedGen C0950123, MeSH D030342.

Submission:

Ambry Genetics
Classification: Uncertain significance for Inborn genetic diseases. Last evaluated: 2026-07-23. Review status: criteria provided, single submitter. Criteria: Ambry Variant Classification Scheme 2023. Collection method: clinical testing. Allele origin: germline.
Comment: The p.W678C variant (also known as c.2034G>T), located in coding exon 12 of the FANCM gene, results from a G to T substitution at nucleotide position 2034. The tryptophan at codon 678 is replaced by cysteine, an amino acid with highly dissimilar properties. This amino acid position is conserved. In addition, this alteration is predicted to be tolerated by in silico analysis. Based on the available evidence, the clinical significance of this variant remains unclear.